The following is an entry in ClinVar:

NM_015168.2(ZC3H4):c.7G>A (p.Ala3Thr)

Gene: ZC3H4 (zinc finger CCCH-type containing 4; minus strand). Cytogenetic location: 19q13.32.
Variant type: single nucleotide variant.
Coding change: c.7G>A on transcript NM_015168.2 (MANE Select); coding-DNA position 7, G replaced by A.
Protein change: p.Ala3Thr; replaces alanine 3 with threonine.
Molecular consequence: missense variant.
Genome position (GRCh38, 1-based): chr19:47,112,578, C>T on the plus strand (G>A on the coding strand, the complement: ZC3H4 is on the minus strand). VCF-style: chr19-47112578-C-T. GRCh37 (hg19) VCF-style: chr19-47615835-C-T.
Other names: short protein forms A3T.
Identifiers: ClinVar variation 3056037 (VCV003056037.2), dbSNP rs62135070, ClinGen allele CA9535708.

ClinVar aggregate classification (germline): Benign (0 of 4 stars; one submission).

Conditions:
ZC3H4-related disorder. Also called: ZC3H4-related condition.

Allele frequency attached by ClinVar (database versions not stated): 1000 Genomes Project 0.01058; 1000 Genomes Project 30x 0.01234; TOPMed 0.02566; ExAC 0.03297; gnomAD exomes 0.04107.
gnomAD v4.1: 46,158 of 1,175,758 alleles (3.9%); highest among the groups gnomAD compares: Non-Finnish European, 4.5%; 1,194 homozygotes.

Submission:

PreventionGenetics, part of Exact Sciences
Classification: Benign for ZC3H4-related condition. Last evaluated: 2019-11-25. Review status: no assertion criteria provided. Collection method: clinical testing. Allele origin: germline.
Comment: This variant is classified as benign based on ACMG/AMP sequence variant interpretation guidelines (Richards et al. 2015 PMID: 25741868, with internal and published modifications).